The following is an entry in ClinVar:

NM_000268.4(NF2):c.1446+1396C>G

Gene: NF2 (NF2, moesin-ezrin-radixin like (MERLIN) tumor suppressor; plus strand). Cytogenetic location: 22q12.2.
Variant type: single nucleotide variant.
Coding change: c.1446+1396C>G on transcript NM_000268.4 (MANE Select); 1396 bases into the intron after coding-DNA position 1446, C replaced by G.
Molecular consequence: intron variant.
Genome position (GRCh38, 1-based): chr22:29,676,337, C>G. VCF-style: chr22-29676337-C-G. GRCh37 (hg19) VCF-style: chr22-30072326-C-G.
Other names: c.1446+1396C>G (NM_016418.5, NM_181832.3, NM_001407060.1 and 2 more transcripts); c.1332+1396C>G (NM_001407056.1, NM_001407053.1); c.1215+1396C>G (NM_001407067.1); c.912+1396C>G (NM_001407065.1); c.1311+1396C>G (NM_001407059.1, NM_001407057.1); c.448-18415C>G (NM_181833.3); c.1323+1396C>G (NM_001407058.1, NM_181829.3, NM_001407054.1); c.1188+1396C>G (NM_001407062.1); and 2 more.
Identifiers: ClinVar variation 2830582 (VCV002830582.3), dbSNP rs900771444, ClinGen allele CA323118149.

ClinVar aggregate classification (germline): Uncertain significance (1 of 4 stars; one submission).

Conditions:
Neurofibromatosis, type 2 (SWNV). Also called: BILATERAL ACOUSTIC NEUROFIBROMATOSIS; NF2-Related Schwannomatosis; SCHWANNOMATOSIS, VESTIBULAR. Identifiers: Orphanet 637, MedGen C0027832, MONDO:0007039, OMIM 101000. Disease mechanism: loss of function.

gnomAD v4.1: 1 of 151,900 alleles (0.00066%); highest among the groups gnomAD compares: Non-Finnish European, 0.0015%; no homozygotes.

Submission:

Labcorp Genetics (formerly Invitae), Labcorp
Classification: Uncertain significance for Neurofibromatosis, type 2. Last evaluated: 2023-01-20. Review status: criteria provided, single submitter. Criteria: Invitae Variant Classification Sherloc (09022015). Collection method: clinical testing. Allele origin: germline.
Comment: In summary, the available evidence is currently insufficient to determine the role of this variant in disease. Therefore, it has been classified as a Variant of Uncertain Significance. Studies have shown that this variant results in activation of a cryptic splice site and introduces a premature termination codon (Invitae). The resulting mRNA is expected to undergo nonsense-mediated decay. This variant has not been reported in the literature in individuals affected with NF2-related conditions. The frequency data for this variant in the population databases is considered unreliable, as metrics indicate poor data quality at this position in the gnomAD database. This sequence change falls in intron 13 of the NF2 gene. It does not directly change the encoded amino acid sequence of the NF2 protein. RNA analysis indicates that this variant induces altered splicing and may result in an absent or disrupted protein product.